The following is an entry in ClinVar:

NM_000489.6(ATRX):c.5697+13A>C

Gene: ATRX (ATRX chromatin remodeler; minus strand). Cytogenetic location: Xq21.1.
Variant type: single nucleotide variant.
Coding change: c.5697+13A>C on transcript NM_000489.6 (MANE Select); 13 bases into the intron after coding-DNA position 5697, A replaced by C.
Molecular consequence: intron variant.
Genome position (GRCh38, 1-based): chrX:77,600,421, T>G on the plus strand (A>C on the coding strand, the complement: ATRX is on the minus strand). VCF-style: chrX-77600421-T-G. GRCh37 (hg19) VCF-style: chrX-76855890-T-G.
Other names: c.5583+13A>C (NM_138270.5).
Identifiers: ClinVar variation 507050 (VCV000507050.7), dbSNP rs782387510, ClinGen allele CA10457638.

ClinVar aggregate classification (germline): Likely benign. Review status: criteria provided, multiple submitters, no conflicts (2 of 4 stars). 3 submissions from 3 submitters: Likely benign (3). Last evaluated 2024-10-03.

Conditions:
Alpha thalassemia-X-linked intellectual disability syndrome (ATRX). Also called: ALPHA-THALASSEMIA/MENTAL RETARDATION SYNDROME, X-LINKED; ATR, NONDELETION TYPE; X-linked alpha-thalassemia-mental retardation syndrome; ALPHA-THALASSEMIA/IMPAIRED INTELLECTUAL DEVELOPMENT SYNDROME, X-LINKED; ATR-X syndrome; Alpha thalassemia mental retardation syndrome, nondeletion type, X-linked. Identifiers: Orphanet 847, MedGen C1845055, MONDO:0010519, OMIM 301040.

Allele frequency attached by ClinVar (database versions not stated): gnomAD exomes 0.00003 and 0.00002; TOPMed 0.00001; gnomAD 0.00003; ExAC 0.00002.
gnomAD v4.1: 16 of 1,207,493 alleles (0.0013%); highest among the groups gnomAD compares: Non-Finnish European, 0.0018%; no homozygotes.

Submissions (3):

Blueprint Genetics
Classification: Likely benign. Last evaluated: 2024-10-03. Review status: criteria provided, single submitter. Criteria: ACMG Guidelines, 2015. Collection method: clinical testing. Allele origin: germline.

Labcorp Genetics (formerly Invitae), Labcorp
Classification: Likely benign for Alpha thalassemia-X-linked intellectual disability syndrome. Last evaluated: 2024-03-12. Review status: criteria provided, single submitter. Criteria: Invitae Variant Classification Sherloc (09022015). Collection method: clinical testing. Allele origin: germline.

GeneDx
Classification: Likely benign. Last evaluated: 2017-01-26. Review status: criteria provided, single submitter. Criteria: GeneDx Variant Classification (06012015). Collection method: clinical testing. Allele origin: germline. Affected: yes.
Comment: This variant is considered likely benign or benign based on one or more of the following criteria: it is a conservative change, it occurs at a poorly conserved position in the protein, it is predicted to be benign by multiple in silico algorithms, and/or has population frequency not consistent with disease.